The following is an entry in ClinVar:

ClinVar aggregate classification (germline): Uncertain significance (1 of 4 stars; one submission).

Conditions:
Noonan syndrome (NS). Also called: Noonan's syndrome. Identifiers: Orphanet 648, MedGen C0028326, MeSH D009634, MONDO:0018997. Disease mechanism: gain of function.

gnomAD v4.1: 10 of 1,580,802 alleles (0.00063%); highest among the groups gnomAD compares: Middle Eastern, 0.017%; no homozygotes.

Submission:

Labcorp Genetics (formerly Invitae), Labcorp
Classification: Uncertain significance for Noonan syndrome. Last evaluated: 2025-08-03. Review status: criteria provided, single submitter. Criteria: Invitae Variant Classification Sherloc (09022015). Collection method: clinical testing. Allele origin: germline.
Comment: This sequence change replaces alanine, which is neutral and non-polar, with glycine, which is neutral and non-polar, at codon 157 of the RRAS protein (p.Ala157Gly). This variant is present in population databases (rs754516040, gnomAD 0.0009%). This variant has not been reported in the literature in individuals affected with RRAS-related conditions. An algorithm developed to predict the effect of missense changes on protein structure and function (PolyPhen-2) suggests that this variant is likely to be disruptive. In summary, the available evidence is currently insufficient to determine the role of this variant in disease. Therefore, it has been classified as a Variant of Uncertain Significance.

NM_006270.5(RRAS):c.470C>G (p.Ala157Gly)

Gene: RRAS (RAS related; minus strand). Cytogenetic location: 19q13.33.
Variant type: single nucleotide variant.
Coding change: c.470C>G on transcript NM_006270.5 (MANE Select); coding-DNA position 470, C replaced by G.
Protein change: p.Ala157Gly; replaces alanine 157 with glycine.
Molecular consequence: missense variant.
Genome position (GRCh38, 1-based): chr19:49,635,836, G>C on the plus strand (C>G on the coding strand, the complement: RRAS is on the minus strand). VCF-style: chr19-49635836-G-C. GRCh37 (hg19) VCF-style: chr19-50139093-G-C.
Other names: short protein forms A157G.
Identifiers: ClinVar variation 4708038 (VCV004708038.1).